The following is an entry in ClinVar:

NM_005826.5(HNRNPR):c.1874A>G (p.Gln625Arg)

Gene: HNRNPR (heterogeneous nuclear ribonucleoprotein R; minus strand). Cytogenetic location: 1p36.12.
Variant type: single nucleotide variant.
Coding change: c.1874A>G on transcript NM_005826.5 (MANE Select); coding-DNA position 1874, A replaced by G.
Protein change: p.Gln625Arg; replaces glutamine 625 with arginine.
Molecular consequence: missense variant.
Genome position (GRCh38, 1-based): chr1:23,310,482, T>C on the plus strand (A>G on the coding strand, the complement: HNRNPR is on the minus strand). VCF-style: chr1-23310482-T-C. GRCh37 (hg19) VCF-style: chr1-23636975-T-C.
Other names: c.1571A>G, p.Gln524Arg (NM_001102397.3); c.1883A>G, p.Gln628Arg (NM_001102398.3); c.1580A>G, p.Gln527Arg (NM_001102399.3); c.1760A>G, p.Gln587Arg (NM_001297620.2); c.1394A>G, p.Gln465Arg (NM_001297621.2); c.1457A>G, p.Gln486Arg (NM_001297622.2); short protein forms Q465R, Q486R, Q524R, Q527R, Q587R, Q625R, Q628R.
Identifiers: ClinVar variation 3360696 (VCV003360696.1).

ClinVar aggregate classification (germline): Uncertain significance (1 of 4 stars; one submission).

Submission:

GeneDx
Classification: Uncertain significance. Last evaluated: 2024-03-13. Review status: criteria provided, single submitter. Criteria: GeneDx Variant Classification Process June 2021. Collection method: clinical testing. Allele origin: germline. Affected: yes.
Comment: Not observed at significant frequency in large population cohorts (gnomAD); In silico analysis supports that this missense variant does not alter protein structure/function; Has not been previously published as pathogenic or benign to our knowledge